The following is an entry in ClinVar:

ClinVar aggregate classification (germline): Likely benign (1 of 4 stars; one submission).

Allele frequency attached by ClinVar (database versions not stated): gnomAD 0.00007; ESP Exome Variant Server 0.00009; gnomAD exomes 0.00012; ExAC 0.00021; 1000 Genomes Project 30x 0.00042; 1000 Genomes Project 0.00053.
gnomAD v4.1: 145 of 1,209,210 alleles (0.012%); highest among the groups gnomAD compares: Middle Eastern, 0.046%; no homozygotes.

Submission:

CeGaT Center for Human Genetics Tuebingen
Classification: Likely benign. Last evaluated: 2022-03-01. Review status: criteria provided, single submitter. Criteria: CeGaT Center For Human Genetics Tuebingen Variant Classification Criteria Version 2. Collection method: clinical testing. Allele origin: germline. Affected: yes. Observed: 1 variant allele.
Comment: MAGEB1: BP4, BP7

NM_177404.3(MAGEB1):c.1002G>A (p.Ala334=)

Gene: MAGEB1 (MAGE family member B1; plus strand). Cytogenetic location: Xp21.2.
Variant type: single nucleotide variant.
Coding change: c.1002G>A on transcript NM_177404.3 (MANE Select); coding-DNA position 1002, G replaced by A.
Protein change: p.Ala334=; no amino-acid change (alanine 334 retained).
Molecular consequence: synonymous variant.
Genome position (GRCh38, 1-based): chrX:30,251,495, G>A. VCF-style: chrX-30251495-G-A. GRCh37 (hg19) VCF-style: chrX-30269612-G-A.
Other names: c.1002G>A, p.Ala334= (NM_002363.5, NM_177415.3).
Identifiers: ClinVar variation 2660229 (VCV002660229.24), dbSNP rs148758545, ClinGen allele CA10376233.
Genomic context (GRCh38, chrX:30,251,495, plus strand): 5'-AGCCCAAGTCCGATCCAGTGTTAGAGCCAGGCGTCGCACTACTGCCACGACTTTTAGAGC[G>A]CGTTCTAGAGCCCCATTCAGCAGGTCCTCCCACCCCATGTGAGAACTCAGGCAGATTGTT-3'
Protein context (NP_796379.1, residues 324-344): RRRTTATTFR[Ala334=]RSRAPFSRSS